The following is an entry in ClinVar:

NM_004304.5(ALK):c.1625C>T (p.Pro542Leu)

Gene: ALK (ALK receptor tyrosine kinase; minus strand). Cytogenetic location: 2p23.2.
Variant type: single nucleotide variant.
Coding change: c.1625C>T on transcript NM_004304.5 (MANE Select); coding-DNA position 1625, C replaced by T.
Protein change: p.Pro542Leu; replaces proline 542 with leucine.
Molecular consequence: missense variant.
Genome position (GRCh38, 1-based): chr2:29,318,326, G>A on the plus strand (C>T on the coding strand, the complement: ALK is on the minus strand). VCF-style: chr2-29318326-G-A. GRCh37 (hg19) VCF-style: chr2-29541192-G-A.
Other names: short protein forms P542L.
Identifiers: ClinVar variation 470763 (VCV000470763.14), dbSNP rs372456536, ClinGen allele CA1594589.
Genomic context (GRCh38, chr2:29,318,326, plus strand): 5'-AGGAGAAATTAGAGAACTAGAGAAACAAGGAGACTTGCCTCACATGGAGAGCTCTTGATC[G>A]GTGCAGGAAACGTAGCACTGGTCACTGTAGCACTTTCAGAAGCGGGGACATCAGTGGTAC-3'
Protein context (NP_004295.2, residues 532-552): ATVTSATFPA[Pro542Leu]IKSSPCELRM

ClinVar aggregate classification (germline): Uncertain significance. Review status: criteria provided, multiple submitters, no conflicts (2 of 4 stars). 2 submissions from 2 submitters: Uncertain significance (2). Last evaluated 2025-11-25.

Conditions:
Hereditary cancer-predisposing syndrome. Also called: Hereditary neoplastic syndrome; Neoplastic Syndromes, Hereditary; Tumor predisposition; Hereditary Cancer Syndrome. Identifiers: Orphanet 140162, MedGen C0027672, MeSH D009386, MONDO:0015356.
Neuroblastoma, susceptibility to, 3. Also called: ALK-Related Neuroblastic Tumor Susceptibility. Identifiers: Orphanet 635, MedGen C2751681, MONDO:0013083, OMIM 613014.

Allele frequency attached by ClinVar (database versions not stated): gnomAD 0.00001; TOPMed 0.00001; ExAC 0.00002; gnomAD exomes 0.00002; ESP Exome Variant Server 0.00008.
gnomAD v4.1: 8 of 1,613,474 alleles (0.0005%); highest among the groups gnomAD compares: Admixed American, 0.0067%; no homozygotes.

Submissions (2):

Labcorp Genetics (formerly Invitae), Labcorp
Classification: Uncertain significance for Neuroblastoma, susceptibility to, 3. Last evaluated: 2025-11-25. Review status: criteria provided, single submitter. Criteria: Invitae Variant Classification Sherloc (09022015). Collection method: clinical testing. Allele origin: germline.
Comment: This sequence change replaces proline, which is neutral and non-polar, with leucine, which is neutral and non-polar, at codon 542 of the ALK protein (p.Pro542Leu). This variant is present in population databases (rs372456536, gnomAD 0.01%). This variant has not been reported in the literature in individuals affected with ALK-related conditions. ClinVar contains an entry for this variant (Variation ID: 470763). An algorithm developed to predict the effect of missense changes on protein structure and function (PolyPhen-2) suggests that this variant is likely to be disruptive. In summary, the available evidence is currently insufficient to determine the role of this variant in disease. Therefore, it has been classified as a Variant of Uncertain Significance.

Ambry Genetics
Classification: Uncertain significance for Hereditary cancer-predisposing syndrome. Last evaluated: 2024-02-24. Review status: criteria provided, single submitter. Criteria: Ambry Variant Classification Scheme 2023. Collection method: clinical testing. Allele origin: germline.
Comment: The p.P542L variant (also known as c.1625C>T), located in coding exon 8 of the ALK gene, results from a C to T substitution at nucleotide position 1625. The proline at codon 542 is replaced by leucine, an amino acid with similar properties. This amino acid position is conserved. In addition, the in silico prediction for this alteration is inconclusive. Since supporting evidence is limited at this time, the clinical significance of this alteration remains unclear.